The following is an entry in ClinVar:

NM_000642.3(AGL):c.916G>A (p.Val306Ile)

Gene: AGL (amylo-alpha-1,6-glucosidase and 4-alpha-glucanotransferase; plus strand). Cytogenetic location: 1p21.2.
Variant type: single nucleotide variant.
Coding change: c.916G>A on transcript NM_000642.3 (MANE Select); coding-DNA position 916, G replaced by A.
Protein change: p.Val306Ile; replaces valine 306 with isoleucine.
Molecular consequence: missense variant.
Genome position (GRCh38, 1-based): chr1:99,870,827, G>A. VCF-style: chr1-99870827-G-A. GRCh37 (hg19) VCF-style: chr1-100336383-G-A.
Other names: c.916G>A, p.Val306Ile (NM_000028.3, NM_000643.3, NM_000644.3 and 3 more transcripts); c.868G>A, p.Val290Ile (NM_000646.3); c.712G>A, p.Val238Ile (NM_001425328.1, NM_001425329.1); c.538G>A, p.Val180Ile (NM_001425332.1); short protein forms V290I, V306I, V180I, V238I.
Identifiers: ClinVar variation 1408714 (VCV001408714.7), dbSNP rs764208593, ClinGen allele CA966310.

ClinVar aggregate classification (germline): Uncertain significance (1 of 4 stars; one submission).

Conditions:
Glycogen storage disease type III (GSD3). Also called: Cori disease; FORBES DISEASE. Identifiers: Orphanet 366, MedGen C0017922, MONDO:0009291, OMIM 232400.

Allele frequency attached by ClinVar (database versions not stated): gnomAD exomes below 0.00001; ExAC 0.00001; gnomAD 0.00001; TOPMed 0.00001.
gnomAD v4.1: 3 of 1,611,206 alleles (0.00019%); highest among the groups gnomAD compares: African/African-American, 0.0013%; no homozygotes.

Submission:

Labcorp Genetics (formerly Invitae), Labcorp
Classification: Uncertain significance for Glycogen storage disease type III. Last evaluated: 2021-03-26. Review status: criteria provided, single submitter. Criteria: Invitae Variant Classification Sherloc (09022015). Collection method: clinical testing. Allele origin: germline.
Comment: This sequence change replaces valine with isoleucine at codon 306 of the AGL protein (p.Val306Ile). The valine residue is moderately conserved and there is a small physicochemical difference between valine and isoleucine. In summary, the available evidence is currently insufficient to determine the role of this variant in disease. Therefore, it has been classified as a Variant of Uncertain Significance. Algorithms developed to predict the effect of missense changes on protein structure and function output the following: SIFT: "Tolerated"; PolyPhen-2: "Benign"; Align-GVGD: "Class C0". The isoleucine amino acid residue is found in multiple mammalian species, suggesting that this missense change does not adversely affect protein function. These predictions have not been confirmed by published functional studies and their clinical significance is uncertain. This variant has not been reported in the literature in individuals with AGL-related conditions. This variant is present in population databases (rs764208593, ExAC 0.01%).